The following is an entry in ClinVar:

ClinVar aggregate classification (germline): Uncertain significance (1 of 4 stars; one submission).

Conditions:
Bardet-Biedl syndrome 16 (BBS16). Identifiers: Orphanet 110, MedGen C3889474, MONDO:0014444, OMIM 615993.
Senior-Loken syndrome 7 (SLSN7). Identifiers: Orphanet 3156, MedGen C3150877, MONDO:0013326, OMIM 613615.

Allele frequency attached by ClinVar (database versions not stated): gnomAD exomes below 0.00001.
gnomAD v4.1: 1 of 1,614,200 alleles (0.000062%); highest among the groups gnomAD compares: Non-Finnish European, 0.000085%; no homozygotes.

Submission:

Labcorp Genetics (formerly Invitae), Labcorp
Classification: Uncertain significance for Bardet-Biedl syndrome 16; Senior-Loken syndrome 7. Last evaluated: 2022-10-14. Review status: criteria provided, single submitter. Criteria: Invitae Variant Classification Sherloc (09022015). Collection method: clinical testing. Allele origin: germline.
Comment: In summary, the available evidence is currently insufficient to determine the role of this variant in disease. Therefore, it has been classified as a Variant of Uncertain Significance. Algorithms developed to predict the effect of missense changes on protein structure and function are either unavailable or do not agree on the potential impact of this missense change (SIFT: "Deleterious"; PolyPhen-2: "Probably Damaging"; Align-GVGD: "Class C0"). This variant has not been reported in the literature in individuals affected with SDCCAG8-related conditions. This variant is not present in population databases (gnomAD no frequency). This sequence change replaces glycine, which is neutral and non-polar, with arginine, which is basic and polar, at codon 15 of the SDCCAG8 protein (p.Gly15Arg).

NM_006642.5(SDCCAG8):c.43G>A (p.Gly15Arg)

Gene: SDCCAG8 (SHH signaling and ciliogenesis regulator SDCCAG8; plus strand). Cytogenetic location: 1q43.
Variant type: single nucleotide variant.
Coding change: c.43G>A on transcript NM_006642.5 (MANE Select); coding-DNA position 43, G replaced by A.
Protein change: p.Gly15Arg; replaces glycine 15 with arginine.
Molecular consequence: missense variant. On other transcripts: 5 prime UTR variant (4).
Genome position (GRCh38, 1-based): chr1:243,256,216, G>A. VCF-style: chr1-243256216-G-A. GRCh37 (hg19) VCF-style: chr1-243419518-G-A.
Other names: c.-1070G>A (NM_001350246.2); c.-958G>A (NM_001350247.2); c.43G>A, p.Gly15Arg (NM_001350248.2); c.-265G>A (NM_001350249.2); c.-1331G>A (NM_001350251.2); short protein forms G15R.
Identifiers: ClinVar variation 2937967 (VCV002937967.2), dbSNP rs2547797729, ClinGen allele CA345478173.